The following is an entry in ClinVar:

NM_007215.4(POLG2):c.529del (p.Thr177fs)

Genes: MILR1 (mast cell immunoglobulin like receptor 1; plus strand), POLG2 (DNA polymerase gamma 2, accessory subunit; minus strand). Cytogenetic location: 17q23.3.
Variant type: Deletion.
Coding change: c.529del on transcript NM_007215.4 (MANE Select); coding-DNA position 529, one base deleted (A; older notation c.529delA).
Protein change: p.Thr177fs; shifts the reading frame from threonine 177.
Molecular consequence: frameshift variant.
Genome position (GRCh38, 1-based): chr17:64,496,440, T deleted on the plus strand (A on the coding strand, the reverse complement: POLG2 is on the minus strand); the first of 5 consecutive T bases (chr17:64,496,440-64,496,444); deleting any one gives the same sequence. VCF-style (leftmost placement, unchanged base first): chr17-64496439-GT-G. GRCh37 (hg19) VCF-style: chr17-62492557-GT-G.
Other names: short protein forms T177fs.
Identifiers: ClinVar variation 2030914 (VCV002030914.4), dbSNP rs2509560069, ClinGen allele CA2580094623.

ClinVar aggregate classification (germline): Pathogenic (1 of 4 stars; one submission).

Submission:

Labcorp Genetics (formerly Invitae), Labcorp
Classification: Pathogenic. Last evaluated: 2022-09-16. Review status: criteria provided, single submitter. Criteria: Invitae Variant Classification Sherloc (09022015). Collection method: clinical testing. Allele origin: germline.
Comment: For these reasons, this variant has been classified as Pathogenic. This variant has not been reported in the literature in individuals affected with POLG2-related conditions. This variant is not present in population databases (gnomAD no frequency). This sequence change creates a premature translational stop signal (p.Thr177Leufs*24) in the POLG2 gene. It is expected to result in an absent or disrupted protein product. Loss-of-function variants in POLG2 are known to be pathogenic (PMID: 28078310, 29625556).

Literature cited by the submitters: PubMed 28078310; PubMed 29625556.